The following is an entry in ClinVar:

ClinVar aggregate classification (germline): Uncertain significance. Review status: criteria provided, multiple submitters, no conflicts (2 of 4 stars). 2 submissions from 2 submitters: Uncertain significance (2). Last evaluated 2024-12-12.

Conditions:
Inborn genetic diseases. Identifiers: MedGen C0950123, MeSH D030342.

Submissions (2):

Ambry Genetics
Classification: Uncertain significance for Inborn genetic diseases. Last evaluated: 2024-12-12. Review status: criteria provided, single submitter. Criteria: Ambry Variant Classification Scheme 2023. Collection method: clinical testing. Allele origin: germline.
Comment: The p.I814T variant (also known as c.2441T>C), located in coding exon 1 of the SAMD9 gene, results from a T to C substitution at nucleotide position 2441. The isoleucine at codon 814 is replaced by threonine, an amino acid with similar properties. This amino acid position is conserved. In addition, the in silico prediction for this alteration is inconclusive. Based on the available evidence, the clinical significance of this variant remains unclear.

Genetic Services Laboratory, University of Chicago
Classification: Uncertain significance. Last evaluated: 2017-11-28. Review status: criteria provided, single submitter. Criteria: ACMG Guidelines, 2015. Collection method: clinical testing. Allele origin: germline. Affected: no.

NM_017654.4(SAMD9):c.2441T>C (p.Ile814Thr)

Gene: SAMD9 (sterile alpha motif domain containing 9; minus strand). Cytogenetic location: 7q21.2.
Variant type: single nucleotide variant.
Coding change: c.2441T>C on transcript NM_017654.4 (MANE Select); coding-DNA position 2441, T replaced by C.
Protein change: p.Ile814Thr; replaces isoleucine 814 with threonine.
Molecular consequence: missense variant.
Genome position (GRCh38, 1-based): chr7:93,103,657, A>G on the plus strand (T>C on the coding strand, the complement: SAMD9 is on the minus strand). VCF-style: chr7-93103657-A-G. GRCh37 (hg19) VCF-style: chr7-92732970-A-G.
Other names: c.2441T>C, p.Ile814Thr (NM_001193307.2); short protein forms I814T.
Identifiers: ClinVar variation 1338337 (VCV001338337.5), dbSNP rs2116417471, ClinGen allele CA368190554.